The following is an entry in ClinVar:

ClinVar aggregate classification (germline): Pathogenic. Review status: criteria provided, multiple submitters, no conflicts (2 of 4 stars). 19 submissions from 17 submitters: Pathogenic (16). 3 of the submissions do not count toward it. Last evaluated 2026-06-19.

Conditions:
IFT140-related disorder. Also called: IFT140-related condition.
Cystic renal disease.
IFT140-related disorders.
Polycystic kidney disease 9, susceptibility to. Identifiers: MedGen C6012712, MONDO:0976267, OMIM 621164.
Saldino-Mainzer syndrome (SRTD9). Also called: SHORT-RIB THORACIC DYSPLASIA 9 WITHOUT POLYDACTYLY; Renal dysplasia, retinal pigmentary dystrophy, cerebellar ataxia and skeletal dysplasia; short-rib thoracic dysplasia 9 with or without polydactyly; CONORENAL SYNDROME. Identifiers: Orphanet 140969, MedGen C1849437, MONDO:0009964, OMIM 266920.
Retinitis pigmentosa 80 (RP80). Identifiers: MedGen C4540439, MONDO:0054708, OMIM 617781.
Inborn genetic diseases. Identifiers: MedGen C0950123, MeSH D030342.
Autosomal dominant polycystic kidney disease. Identifiers: Orphanet 730, MedGen C0085413, MONDO:0004691.
Retinal dystrophy. Also called: Inherited retinal dystrophy. Identifiers: Orphanet 71862, MedGen C0854723, MeSH D058499, MONDO:0019118, HP:0000556.
Renal cyst. Also called: Cystic kidney disease; Renal cysts; cystic kidneys. Identifiers: MedGen C3887499, MONDO:0002473, HP:0000107.
Polycystic kidney disease. Also called: Kidney, Polycystic; Polycystic kidney dysplasia. Identifiers: MedGen C0022680, MeSH D007690, MONDO:0020642, HP:0000113.

Allele frequency attached by ClinVar (database versions not stated): ExAC 0.00003; gnomAD 0.00005 and 0.00006; gnomAD exomes 0.00006 and 0.00033; TOPMed 0.00006; ESP Exome Variant Server 0.00008.
gnomAD v4.1: 474 of 1,613,066 alleles (0.029%); highest among the groups gnomAD compares: Non-Finnish European, 0.039%; no homozygotes.

Submissions 1 to 10 of 19:

Institute of Medical Genetics and Applied Genomics, University Hospital Tübingen
Classification: Pathogenic for Polycystic kidney disease 9, susceptibility to. Last evaluated: 2026-06-19. Review status: criteria provided, single submitter. Criteria: ACMG Guidelines, 2015. Collection method: clinical testing. Allele origin: germline. Inheritance: Autosomal dominant inheritance. Affected: yes.

PreventionGenetics, part of Exact Sciences
Classification: Pathogenic for IFT140-related condition. Last evaluated: 2026-06-16. Review status: criteria provided, single submitter. Criteria: ACMG Guidelines, 2015. Collection method: clinical testing. Allele origin: germline.
Comment: The IFT140 c.2399+1G>T variant is predicted to disrupt the GT donor site and interfere with normal splicing. This variant along with another IFT140 variant has been reported to be causative for Mainzer-Saldino syndrome and Jeune syndrome (Perrault et al. 2012. PubMed ID: 22503633; Schmidts et al. 2013. PubMed ID: 23418020). It has also been reported along with a missense IFT140 variant in two siblings with retinal dystrophy (Hull et al. 2016. PubMed ID: 26968735). This variant is reported in 0.012% of alleles in individuals of European (Non-Finnish) descent in gnomAD. Variants that disrupt consensus splice donor sites in IFT140 are expected to be pathogenic. Of note, monoallelic IFT140 loss-of-function pathogenic variants have been reported to cause the autosomal dominant polycystic kidney-spectrum phenotype and this splicing variant is among the pathogenic changes found in this study (Senum et al. 2022. PubMed ID: 34890546). This variant is interpreted as pathogenic for both autosomal recessive and dominant IFT140-related disorders.

Wales Gene Park, Division Of Cancer and Genetics, Cardiff University
Classification: Pathogenic for Polycystic kidney disease 9, susceptibility to. Last evaluated: 2026-04-28. Review status: criteria provided, single submitter. Criteria: ACGS Best Practice Guidelines for Variant Classification in Rare Disease 2024. Collection method: research. Allele origin: maternal. Inheritance: Autosomal dominant inheritance. Affected: yes. Study: 100,000 Genomes Project (Wales).
Comment: Inherited IFT140 splice donor variant detected by genome sequencing. Senum et al (PMID: 34890546) described multiple families with this variant - including this individual - with an autosomal dominant polycystic kidney-spectrum phenotype. Evidence codes: PVS1, PS4_moderate, PP1.

Ambry Genetics
Classification: Pathogenic for Inborn genetic diseases. Last evaluated: 2026-01-06. Review status: criteria provided, single submitter. Criteria: Ambry Variant Classification Scheme 2023. Collection method: clinical testing. Allele origin: germline.
Comment: The c.2399+1G>T intronic alteration consists of a G to T substitution one nucleotide after Intron 17 (C) of the IFT140 gene. This alteration is expected to result in loss of function by premature protein truncation or nonsense-mediated mRNA decay. Based on data from gnomAD, the T allele has an overall frequency of 0.006% (14/251478) total alleles studied. The highest observed frequency was 0.012% (14/113764) of European (non-Finnish) alleles. This variant has been identified in conjunction with other IFT140 variants in individuals with features consistent with autosomal recessive IFT140-related ciliopathies (including short rib thoracic dysplasia and retinitis pigmentosa); in at least one instance, the variants were identified in trans (Perrault, 2012). This variant was also reported in individuals with features consistent with autosomal dominant IFT140-related polycystic kidney disease (Senum, 2022; Clark, 2024). Based on the available evidence, this alteration is classified as pathogenic.

Victorian Clinical Genetics Services, Murdoch Childrens Research Institute
Classification: Pathogenic for Renal cyst. Last evaluated: 2026-01-05. Review status: criteria provided, single submitter. Criteria: ACMG Guidelines, 2015. Collection method: clinical testing. Allele origin: germline. Affected: yes.
Comment: This variant is classified as Pathogenic. Evidence in support of pathogenic classification: Canonical splice site variant without proven consequence on splicing (no functional evidence available); Variant is present in gnomAD (v4) <0.01 for a condition (474 heterozygotes, 0 homozygotes); This variant has strong previous evidence of pathogenicity in unrelated individuals. This variant has been classified as pathogenic by several clinical laboratories in ClinVar and observed as compound heterozygous in several individuals with autosomal recessive retinitis pigmentosa, Jeune syndrome or Mainzer-Saldino syndrome (PMIDs: 22503633, 26968735, 23418020). This variant has also been observed as heterozygous in multiple individuals affected with autosomal dominant cystic kidney disease (PMID: 34890546); Abnormal splicing is predicted by in silico tools and affected nucleotide is highly conserved. Additional information: This variant is heterozygous; This gene is associated with both recessive and dominant disease. Retinitis pigmentosa 80 (MIM#617781) and short-rib thoracic dysplasia 9 with or without polydactyly (MIM#266920) are inherited in an autosomal recessive manner, while cystic kidney disease (MONDO:0002473), IFT140-related is inherited in an autosomal dominant manner (OMIM, PMID: 34890546) ; No published functional evidence has been identified for this variant; No comparable splice site variants have previous evidence for pathogenicity; Loss of function is a known mechanism of disease in this gene and is associated with retinitis pigmentosa 80 (MIM#617781), short-rib thoracic dysplasia 9 with or without polydactyly (MIM#266920), and cystic kidney disease (MONDO:0002473), IFT140-related; The dominant condition associated with this gene may have incomplete penetrance. Parents of children with short-rib thoracic dysplasia 9 with or without polydactyly, who carry a single pathogenic variant that has also previously been associated with the dominant cystic kidney disease phenotype, have been reported as unaffected (PMID: 34890546). However these parents weren't specifically assessed for cystic kidney disease; Inheritance information for this variant is not currently available in this individual.

Labcorp Genetics (formerly Invitae), Labcorp
Classification: Pathogenic for Saldino-Mainzer syndrome. Last evaluated: 2025-12-27. Review status: criteria provided, single submitter. Criteria: Invitae Variant Classification Sherloc (09022015). Collection method: clinical testing. Allele origin: germline.
Comment: This sequence change affects a donor splice site in intron 19 of the IFT140 gene. It is expected to disrupt RNA splicing. Variants that disrupt the donor or acceptor splice site typically lead to a loss of protein function (PMID: 16199547), and loss-of-function variants in IFT140 are known to be pathogenic (PMID: 22503633, 23418020, 24009529, 26216056). This variant is present in population databases (rs376586707, gnomAD 0.01%). Disruption of this splice site has been observed in individuals with IFT140-related conditions (PMID: 22503633, 23418020, 26968735). ClinVar contains an entry for this variant (Variation ID: 31680). Algorithms developed to predict the effect of sequence changes on RNA splicing suggest that this variant may disrupt the consensus splice site. For these reasons, this variant has been classified as Pathogenic.

Genetics Laboratory, Great Ormond Street Hospital NHS Foundation Trust, North Thames Genomic Laboratory Hub
Classification: Pathogenic for Cystic renal disease. Last evaluated: 2025-09-15. Review status: criteria provided, single submitter. Criteria: ACGS Best Practice Guidelines for Variant Classification in Rare Disease 2024 v1.2. Collection method: clinical testing. Allele origin: germline. Affected: yes.
Comment: PS4_moderate, PVS1_very-strong

CeGaT Center for Human Genetics Tuebingen
Classification: Pathogenic. Last evaluated: 2025-03-01. Review status: criteria provided, single submitter. Criteria: CeGaT Center For Human Genetics Tuebingen Variant Classification Criteria Version 2. Collection method: clinical testing. Allele origin: germline. Affected: yes. Observed: 1 variant allele.
Comment: IFT140: PVS1, PM2, PS4:Moderate

Blueprint Genetics
Classification: Pathogenic for IFT140-related disorders. Last evaluated: 2024-07-31. Review status: criteria provided, single submitter. Criteria: ACMG Guidelines, 2015. Collection method: clinical testing. Allele origin: germline. Affected: yes. Observed: 5 variant alleles.

Fulgent Genetics
Classification: Pathogenic for Saldino-Mainzer syndrome; Retinitis pigmentosa 80. Last evaluated: 2024-05-01. Review status: criteria provided, single submitter. Criteria: ACMG Guidelines, 2015. Collection method: clinical testing. Allele origin: germline.

NM_014714.4(IFT140):c.2399+1G>T

Genes: IFT140 (intraflagellar transport 140; minus strand), TMEM204 (transmembrane protein 204; plus strand). Cytogenetic location: 16p13.3.
Variant type: single nucleotide variant.
Coding change: c.2399+1G>T on transcript NM_014714.4 (MANE Select); the canonical splice donor site of the intron after coding-DNA position 2399, G replaced by T.
Molecular consequence: splice donor variant.
Genome position (GRCh38, 1-based): chr16:1,557,934, C>A on the plus strand (G>T on the coding strand, the complement: IFT140 is on the minus strand). VCF-style: chr16-1557934-C-A. GRCh37 (hg19) VCF-style: chr16-1607935-C-A.
Other names: IVS19DS, G-T, +1.
Identifiers: ClinVar variation 31680 (VCV000031680.49), dbSNP rs376586707, ClinGen allele CA129886.